The following is an entry in ClinVar:

ClinVar aggregate classification (germline): Uncertain significance. Review status: criteria provided, multiple submitters, no conflicts (2 of 4 stars). 3 submissions from 2 submitters: Uncertain significance (3). Last evaluated 2025-12-15.

Conditions:
Autosomal dominant cerebellar ataxia. Also called: Spinocerebellar Ataxia, Dominant. Identifiers: Orphanet 99, MedGen C4087347, MONDO:0020380.
Charcot-Marie-Tooth disease axonal type 2O. Also called: CHARCOT-MARIE-TOOTH NEUROPATHY, AXONAL, TYPE 2O; CHARCOT-MARIE-TOOTH DISEASE, AXONAL, AUTOSOMAL DOMINANT, TYPE 2O; Charcot-Marie-Tooth Neuropathy Type 2O; Charcot-Marie-Tooth disease, axonal, type 20. Identifiers: Orphanet 284232, MedGen C3280220, MONDO:0013644, OMIM 614228.

Allele frequency attached by ClinVar (database versions not stated): gnomAD 0.00001; ExAC 0.00002; gnomAD exomes 0.00002; TOPMed 0.00002.
gnomAD v4.1: 6 of 1,613,964 alleles (0.00037%); highest among the groups gnomAD compares: East Asian, 0.011%; no homozygotes.

Submissions (3):

Labcorp Genetics (formerly Invitae), Labcorp
Classification: Uncertain significance for Charcot-Marie-Tooth disease axonal type 2O. Last evaluated: 2025-12-15. Review status: criteria provided, single submitter. Criteria: Invitae Variant Classification Sherloc (09022015). Collection method: clinical testing. Allele origin: germline.
Comment: This sequence change replaces valine, which is neutral and non-polar, with isoleucine, which is neutral and non-polar, at codon 1684 of the DYNC1H1 protein (p.Val1684Ile). This variant is present in population databases (rs781664182, gnomAD 0.006%). This missense change has been observed in individual(s) with clinical features of DYNC1H1-related conditions (PMID: 33057194, 34255403). ClinVar contains an entry for this variant (Variation ID: 312629). An algorithm developed to predict the effect of missense changes on protein structure and function (PolyPhen-2) suggests that this variant is likely to be tolerated. In summary, the available evidence is currently insufficient to determine the role of this variant in disease. Therefore, it has been classified as a Variant of Uncertain Significance.

Illumina Laboratory Services, Illumina
Classification: Uncertain significance for Charcot-Marie-Tooth disease axonal type 2O. Last evaluated: 2018-01-12. Review status: criteria provided, single submitter. Criteria: ICSL Variant Classification Criteria 13 December 2019. Collection method: clinical testing. Allele origin: germline.

Illumina Laboratory Services, Illumina
Classification: Uncertain significance for Spinocerebellar Ataxia, Dominant. Last evaluated: 2018-01-12. Review status: criteria provided, single submitter. Criteria: ICSL Variant Classification Criteria 13 December 2019. Collection method: clinical testing. Allele origin: germline.

Literature cited by the submitters: PubMed 33057194 (cited by Labcorp Genetics (formerly Invitae), Labcorp); PubMed 34255403 (cited by Labcorp Genetics (formerly Invitae), Labcorp).

NM_001376.5(DYNC1H1):c.5050G>A (p.Val1684Ile)

Gene: DYNC1H1 (dynein cytoplasmic 1 heavy chain 1; plus strand). Cytogenetic location: 14q32.31.
Variant type: single nucleotide variant.
Coding change: c.5050G>A on transcript NM_001376.5 (MANE Select); coding-DNA position 5050, G replaced by A.
Protein change: p.Val1684Ile; replaces valine 1684 with isoleucine.
Molecular consequence: missense variant.
Genome position (GRCh38, 1-based): chr14:102,004,762, G>A. VCF-style: chr14-102004762-G-A. GRCh37 (hg19) VCF-style: chr14-102471099-G-A.
Other names: short protein forms V1684I.
Identifiers: ClinVar variation 312629 (VCV000312629.16), dbSNP rs781664182, ClinGen allele CA7352350.